The following is an entry in ClinVar:

NM_152468.5(TMC8):c.724C>G (p.Leu242Val)

Gene: TMC8 (transmembrane channel like 8; plus strand). Cytogenetic location: 17q25.3.
Variant type: single nucleotide variant.
Coding change: c.724C>G on transcript NM_152468.5 (MANE Select); coding-DNA position 724, C replaced by G.
Protein change: p.Leu242Val; replaces leucine 242 with valine.
Molecular consequence: missense variant.
Genome position (GRCh38, 1-based): chr17:78,133,908, C>G. VCF-style: chr17-78133908-C-G. GRCh37 (hg19) VCF-style: chr17-76129989-C-G.
Other names: short protein forms L242V.
Identifiers: ClinVar variation 1488848 (VCV001488848.6), dbSNP rs2145644826, ClinGen allele CA401244050.

ClinVar aggregate classification (germline): Uncertain significance (1 of 4 stars; one submission).

Conditions:
Epidermodysplasia verruciformis. Identifiers: Orphanet 302, MedGen C0014522, MONDO:0009176.

Submission:

Labcorp Genetics (formerly Invitae), Labcorp
Classification: Uncertain significance for Epidermodysplasia verruciformis. Last evaluated: 2022-09-27. Review status: criteria provided, single submitter. Criteria: Invitae Variant Classification Sherloc (09022015). Collection method: clinical testing. Allele origin: germline.
Comment: This sequence change replaces leucine, which is neutral and non-polar, with valine, which is neutral and non-polar, at codon 242 of the TMC8 protein (p.Leu242Val). This variant is not present in population databases (gnomAD no frequency). This variant has not been reported in the literature in individuals affected with TMC8-related conditions. ClinVar contains an entry for this variant (Variation ID: 1488848). In summary, the available evidence is currently insufficient to determine the role of this variant in disease. Therefore, it has been classified as a Variant of Uncertain Significance. Advanced modeling of protein sequence and biophysical properties (such as structural, functional, and spatial information, amino acid conservation, physicochemical variation, residue mobility, and thermodynamic stability) performed at Invitae indicates that this missense variant is not expected to disrupt TMC8 protein function.